The following is an entry in ClinVar:

NM_000163.5(GHR):c.1703C>T (p.Thr568Ile)

Gene: GHR (growth hormone receptor; plus strand). Cytogenetic location: 5p12.
Variant type: single nucleotide variant.
Coding change: c.1703C>T on transcript NM_000163.5 (MANE Select); coding-DNA position 1703, C replaced by T.
Protein change: p.Thr568Ile; replaces threonine 568 with isoleucine.
Molecular consequence: missense variant. On other transcripts: 3 prime UTR variant (1).
Genome position (GRCh38, 1-based): chr5:42,719,210, C>T. VCF-style: chr5-42719210-C-T. GRCh37 (hg19) VCF-style: chr5-42719312-C-T.
Other names: c.1703C>T (NM_000163.4); c.1724C>T, p.Thr575Ile (NM_001242399.2); c.1703C>T, p.Thr568Ile (NM_001242400.2, NM_001242401.4, NM_001242402.2 and 4 more transcripts); c.1637C>T, p.Thr546Ile (NM_001242460.2); c.*745C>T (NM_001242462.1); short protein forms T546I, T568I, T575I.
Identifiers: ClinVar variation 1424852 (VCV001424852.6), dbSNP rs201228420, ClinGen allele CA3254700.
Genomic context (GRCh38, chr5:42,719,210, plus strand): 5'-CTCACATCAAGGTTGAATCACACATACAGCCAAGCTTAAACCAAGAGGACATTTACATCA[C>T]CACAGAAAGCCTTACCACTGCTGCTGGGAGGCCTGGGACAGGAGAACATGTTCCAGGTTC-3'
Protein context (NP_000154.1, residues 558-578): PSLNQEDIYI[Thr568Ile]TESLTTAAGR

ClinVar aggregate classification (germline): Uncertain significance. Review status: criteria provided, multiple submitters, no conflicts (2 of 4 stars). 2 submissions from 2 submitters: Uncertain significance (2). Last evaluated 2025-11-24.

Conditions:
Inborn genetic diseases. Identifiers: MedGen C0950123, MeSH D030342.

Allele frequency attached by ClinVar (database versions not stated): gnomAD exomes 0.00001 and 0.00004; ExAC 0.00004; gnomAD 0.00016; TOPMed 0.00017; 1000 Genomes Project 0.00020; 1000 Genomes Project 30x 0.00031; ESP Exome Variant Server 0.00031.
gnomAD v4.1: 41 of 1,614,054 alleles (0.0025%); highest among the groups gnomAD compares: African/African-American, 0.051%; no homozygotes.

Submissions (2):

Labcorp Genetics (formerly Invitae), Labcorp
Classification: Uncertain significance. Last evaluated: 2025-11-24. Review status: criteria provided, single submitter. Criteria: Invitae Variant Classification Sherloc (09022015). Collection method: clinical testing. Allele origin: germline.
Comment: This sequence change replaces threonine, which is neutral and polar, with isoleucine, which is neutral and non-polar, at codon 568 of the GHR protein (p.Thr568Ile). This variant is present in population databases (rs201228420, gnomAD 0.07%). This variant has not been reported in the literature in individuals affected with GHR-related conditions. ClinVar contains an entry for this variant (Variation ID: 1424852). Invitae Evidence Modeling of protein sequence and biophysical properties (such as structural, functional, and spatial information, amino acid conservation, physicochemical variation, residue mobility, and thermodynamic stability) indicates that this missense variant is not expected to disrupt GHR protein function with a negative predictive value of 80%. In summary, the available evidence is currently insufficient to determine the role of this variant in disease. Therefore, it has been classified as a Variant of Uncertain Significance.

Ambry Genetics
Classification: Uncertain significance for Inborn genetic diseases. Last evaluated: 2024-10-20. Review status: criteria provided, single submitter. Criteria: Ambry Variant Classification Scheme 2023. Collection method: clinical testing. Allele origin: germline.